The following is an entry in ClinVar:

ClinVar aggregate classification (germline): Pathogenic/Likely pathogenic. Review status: criteria provided, multiple submitters, no conflicts (2 of 4 stars). 6 submissions from 6 submitters: Pathogenic (4); Likely pathogenic (2). Last evaluated 2026-01-31.

Conditions:
Woolly hair-skin fragility syndrome (WHSF). Identifiers: Orphanet 293165, MedGen C1843292, MONDO:0957307, OMIM 620415.
DSP-related disorder. Also called: DSP-related condition; DSP-related disorders.
Arrhythmogenic cardiomyopathy with wooly hair and keratoderma. Also called: Arrhythmogenic cardiomyopathy with woolly hair and keratoderma; PALMOPLANTAR KERATODERMA WITH LEFT VENTRICULAR CARDIOMYOPATHY AND WOOLLY HAIR; Dilated cardiomyopathy with woolly hair and keratoderma; Carvajal syndrome. Identifiers: Orphanet 65282, MedGen C1854063, MONDO:0011581, OMIM 605676.
Arrhythmogenic right ventricular dysplasia 8 (ARVD8). Also called: ARRHYTHMOGENIC RIGHT VENTRICULAR DYSPLASIA, FAMILIAL, 8; ARRHYTHMOGENIC RIGHT VENTRICULAR CARDIOMYOPATHY 8; Arrhythmogenic Right Ventricular Dysplasia/Cardiomyopathy 8. Identifiers: MedGen C1843896, MONDO:0011831, OMIM 607450.
Cardiovascular phenotype. Identifiers: MedGen CN230736.
Primary dilated cardiomyopathy (DCM). Also called: Dilated Cardiomyopathy. Identifiers: Orphanet 217604, MedGen C0007193, MeSH D002311, MONDO:0005021, HP:0001644. Inheritance: Various modes of inheritance.
Arrhythmogenic right ventricular cardiomyopathy (ARVD). Also called: Arrhythmogenic Right Ventricular Cardiomyopathy (ARVC); Arrhythmogenic cardiomyopathy; Cardiomyopathy, ARVC; Arrhythmogenic right ventricular dysplasia. Identifiers: Orphanet 247, MedGen C0349788, MeSH D019571, MONDO:0016587. Disease mechanism: loss of function. Inheritance: Various modes of inheritance.

Submissions (6):

Labcorp Genetics (formerly Invitae), Labcorp
Classification: Pathogenic for Arrhythmogenic cardiomyopathy with wooly hair and keratoderma; Arrhythmogenic right ventricular dysplasia 8. Last evaluated: 2026-01-31. Review status: criteria provided, single submitter. Criteria: Invitae Variant Classification Sherloc (09022015). Collection method: clinical testing. Allele origin: germline.
Comment: This sequence change creates a premature translational stop signal (p.Gln1667*) in the DSP gene. It is expected to result in an absent or disrupted protein product. Loss-of-function variants in DSP are known to be pathogenic (PMID: 20716751, 24503780, 25227139, 30398466). This variant is not present in population databases (gnomAD no frequency). This variant has not been reported in the literature in individuals affected with DSP-related conditions. ClinVar contains an entry for this variant (Variation ID: 488983). For these reasons, this variant has been classified as Pathogenic.

Greenwood Genetic Center Diagnostic Laboratories, Greenwood Genetic Center
Classification: Pathogenic for DSP-related disorder. Last evaluated: 2024-12-17. Review status: criteria provided, single submitter. Criteria: ACMG Guidelines, 2015. Collection method: clinical testing. Allele origin: germline. Affected: yes.
Comment: PVS1, PS4, PM2

Ambry Genetics
Classification: Pathogenic for Cardiovascular phenotype. Last evaluated: 2024-10-08. Review status: criteria provided, single submitter. Criteria: Ambry Variant Classification Scheme 2023. Collection method: clinical testing. Allele origin: germline.
Comment: The p.Q1667* pathogenic mutation (also known as c.4999C>T), located in coding exon 23 of the DSP gene, results from a C to T substitution at nucleotide position 4999. This changes the amino acid from a glutamine to a stop codon within coding exon 23. This variant is considered to be rare based on population cohorts in the Genome Aggregation Database (gnomAD). This alteration is expected to result in loss of function by premature protein truncation or nonsense-mediated mRNA decay. As such, this alteration is interpreted as a disease-causing mutation.

GeneDx
Classification: Pathogenic. Last evaluated: 2023-04-29. Review status: criteria provided, single submitter. Criteria: GeneDx Variant Classification Process June 2021. Collection method: clinical testing. Allele origin: germline. Affected: yes.
Comment: Nonsense variant predicted to result in protein truncation or nonsense mediated decay in a gene for which loss-of-function is a known mechanism of disease; Not observed at significant frequency in large population cohorts (gnomAD); This variant is associated with the following publications: (PMID: 33684294, 31638835, 31447099, Reza_2022_Cardiogenetics)

Baylor Genetics
Classification: Likely pathogenic for Arrhythmogenic cardiomyopathy with wooly hair and keratoderma. Last evaluated: 2020-06-08. Review status: criteria provided, single submitter. Criteria: ACMG Guidelines, 2015. Collection method: clinical testing. Allele origin: unknown. Affected: yes.
Comment: This variant was determined to be likely pathogenic according to ACMG Guidelines, 2015 [PMID:25741868].

Laboratory for Molecular Medicine, Mass General Brigham Personalized Medicine
Classification: Likely pathogenic for Arrhythmogenic right ventricular cardiomyopathy; Primary dilated cardiomyopathy. Last evaluated: 2017-05-11. Review status: criteria provided, single submitter. Criteria: LMM Criteria. Collection method: clinical testing. Allele origin: germline. Inheritance: Autosomal dominant inheritance. Observed: 2 variant alleles.
Comment: The p.Gln1667X variant in DSP has not been previously reported in individuals wi th cardiomyopathy or in large population studies. This variant is located within exon 23 of DSP which undergoes alternative splicing resulting in two isoforms: one with a shorter and one with a longer form of this exon. This variant is only located in the coding region of the longer isoform. In that transcript, this no nsense variant leads to a premature termination codon at position 1667, which is predicted to lead to a truncated or absent protein. Loss-of-function variants i n the longer form of exon 23 have been observed in individuals with ARVC and/or DCM, suggesting that loss-of-function variants in this region are likely to be d isease causing (LMM data). In summary, although additional studies are required to fully establish its clinical significance, the p.Gln1667X variant is likely p athogenic.

Literature cited by the submitters: PubMed 20716751 (cited by Labcorp Genetics (formerly Invitae), Labcorp); PubMed 24503780 (cited by Labcorp Genetics (formerly Invitae), Labcorp); PubMed 25227139 (cited by Labcorp Genetics (formerly Invitae), Labcorp); PubMed 30398466 (cited by Labcorp Genetics (formerly Invitae), Labcorp).

NM_004415.4(DSP):c.4999C>T (p.Gln1667Ter)

Gene: DSP (desmoplakin; plus strand). Cytogenetic location: 6p24.3.
Variant type: single nucleotide variant.
Coding change: c.4999C>T on transcript NM_004415.4 (MANE Select); coding-DNA position 4999, C replaced by T.
Protein change: p.Gln1667Ter; replaces glutamine 1667 with a stop codon.
Molecular consequence: nonsense. On other transcripts: intron variant (2).
Genome position (GRCh38, 1-based): chr6:7,581,189, C>T. VCF-style: chr6-7581189-C-T. GRCh37 (hg19) VCF-style: chr6-7581422-C-T.
Other names: c.4050+949C>T (NM_001319034.2); c.3582+1417C>T (NM_001008844.3); short protein forms Q1667*.
Identifiers: ClinVar variation 488983 (VCV000488983.19), dbSNP rs1554108431, ClinGen allele CA362687617.